The following is an entry in ClinVar:

NM_004341.5(CAD):c.6259G>T (p.Val2087Leu)

Genes: CAD (carbamoyl-phosphate synthetase 2, aspartate transcarbamylase, and dihydroorotase; plus strand), LOC126806172 (CDK7 strongly-dependent group 2 enhancer GRCh37_chr2:27465505-27466704; plus strand). Cytogenetic location: 2p23.3.
Variant type: single nucleotide variant.
Coding change: c.6259G>T on transcript NM_004341.5 (MANE Select); coding-DNA position 6259, G replaced by T.
Protein change: p.Val2087Leu; replaces valine 2087 with leucine.
Molecular consequence: missense variant.
Genome position (GRCh38, 1-based): chr2:27,242,656, G>T. VCF-style: chr2-27242656-G-T. GRCh37 (hg19) VCF-style: chr2-27465524-G-T.
Other names: c.6070G>T, p.Val2024Leu (NM_001306079.2); short protein forms V2087L, V2024L.
Identifiers: ClinVar variation 1482802 (VCV001482802.8), dbSNP rs1278368204, ClinGen allele CA346224666.

ClinVar aggregate classification (germline): Uncertain significance (1 of 4 stars; one submission).

Submission:

Labcorp Genetics (formerly Invitae), Labcorp
Classification: Uncertain significance. Last evaluated: 2021-03-30. Review status: criteria provided, single submitter. Criteria: Invitae Variant Classification Sherloc (09022015). Collection method: clinical testing. Allele origin: germline.
Comment: In summary, the available evidence is currently insufficient to determine the role of this variant in disease. Therefore, it has been classified as a Variant of Uncertain Significance. Algorithms developed to predict the effect of missense changes on protein structure and function (SIFT, PolyPhen-2, Align-GVGD) all suggest that this variant is likely to be disruptive, but these predictions have not been confirmed by published functional studies and their clinical significance is uncertain. This variant has not been reported in the literature in individuals with CAD-related conditions. This variant is not present in population databases (ExAC no frequency). This sequence change replaces valine with leucine at codon 2087 of the CAD protein (p.Val2087Leu). The valine residue is highly conserved and there is a small physicochemical difference between valine and leucine.